The following is an entry in ClinVar:

ClinVar aggregate classification (germline): Uncertain significance (1 of 4 stars; one submission).

Submission:

CeGaT Center for Human Genetics Tuebingen
Classification: Uncertain significance. Last evaluated: 2025-04-01. Review status: criteria provided, single submitter. Criteria: CeGaT Center For Human Genetics Tuebingen Variant Classification Criteria Version 2. Collection method: clinical testing. Allele origin: germline. Affected: yes. Observed: 1 variant allele.
Comment: STAG1: PM2, PP2

NM_005862.3(STAG1):c.437A>C (p.Glu146Ala)

Gene: STAG1 (STAG1 cohesin complex component; minus strand). Cytogenetic location: 3q22.3.
Variant type: single nucleotide variant.
Coding change: c.437A>C on transcript NM_005862.3 (MANE Select); coding-DNA position 437, A replaced by C.
Protein change: p.Glu146Ala; replaces glutamic acid 146 with alanine.
Molecular consequence: missense variant.
Genome position (GRCh38, 1-based): chr3:136,542,153, T>G on the plus strand (A>C on the coding strand, the complement: STAG1 is on the minus strand). VCF-style: chr3-136542153-T-G. GRCh37 (hg19) VCF-style: chr3-136260995-T-G.
Other names: short protein forms E146A.
Identifiers: ClinVar variation 3898727 (VCV003898727.7).